The following is an entry in ClinVar:

ClinVar aggregate classification (germline): Uncertain significance (1 of 4 stars; one submission).

Allele frequency attached by ClinVar (database versions not stated): TOPMed below 0.00001; ExAC 0.00001; gnomAD 0.00001; gnomAD exomes 0.00001.
gnomAD v4.1: 4 of 1,613,976 alleles (0.00025%); highest among the groups gnomAD compares: East Asian, 0.0045%; no homozygotes.

Submission:

Ambry Genetics
Classification: Uncertain significance. Last evaluated: 2023-10-06. Review status: criteria provided, single submitter. Criteria: Ambry Variant Classification Scheme 2023. Collection method: clinical testing. Allele origin: germline.
Comment: The p.I1239V variant (also known as c.3715A>G), located in coding exon 4 of the ALPK2 gene, results from an A to G substitution at nucleotide position 3715. The isoleucine at codon 1239 is replaced by valine, an amino acid with highly similar properties. This amino acid position is conserved. In addition, this alteration is predicted to be tolerated by in silico analysis. Since supporting evidence is limited at this time, the clinical significance of this alteration remains unclear.

NM_052947.4(ALPK2):c.3715A>G (p.Ile1239Val)

Genes: ALPK2 (alpha kinase 2; minus strand), LOC126862764 (BRD4-independent group 4 enhancer GRCh37_chr18:56202574-56203773; plus strand). Cytogenetic location: 18q21.31.
Variant type: single nucleotide variant.
Coding change: c.3715A>G on transcript NM_052947.4 (MANE Select); coding-DNA position 3715, A replaced by G.
Protein change: p.Ile1239Val; replaces isoleucine 1239 with valine.
Molecular consequence: missense variant.
Genome position (GRCh38, 1-based): chr18:58,536,472, T>C on the plus strand (A>G on the coding strand, the complement: ALPK2 is on the minus strand). VCF-style: chr18-58536472-T-C. GRCh37 (hg19) VCF-style: chr18-56203704-T-C.
Other names: short protein forms I1239V.
Identifiers: ClinVar variation 1734234 (VCV001734234.2), dbSNP rs748123189, ClinGen allele CA8976845.
Genomic context (GRCh38, chr18:58,536,472, plus strand): 5'-TCTCAGAATTTGTCAGTTGTCGTGGTGGCCAGATTTCAGAAGCGGAAGCCTCTAGAGTTA[T>C]AATCTTCAGCTTGTTGCCTGCCTCCCAATTTCCAGGTCTATATTCTTTAGACTCTTCCAA-3'
Protein context (NP_443179.3, residues 1229-1249): NWEAGNKLKI[Ile1239Val]TLEASASEIW